The following is an entry in ClinVar:

NM_001201543.2(FAM161A):c.1966A>G (p.Asn656Asp)

Gene: FAM161A (FAM161 centrosomal protein A; minus strand). Cytogenetic location: 2p15.
Variant type: single nucleotide variant.
Coding change: c.1966A>G on transcript NM_001201543.2 (MANE Select); coding-DNA position 1966, A replaced by G.
Protein change: p.Asn656Asp; replaces asparagine 656 with aspartic acid.
Molecular consequence: missense variant. On other transcripts: non-coding transcript variant (1).
Genome position (GRCh38, 1-based): chr2:61,827,144, T>C on the plus strand (A>G on the coding strand, the complement: FAM161A is on the minus strand). VCF-style: chr2-61827144-T-C. GRCh37 (hg19) VCF-style: chr2-62054279-T-C.
Other names: c.1798A>G, p.Asn600Asp (NM_032180.3); short protein forms N600D, N656D.
Identifiers: ClinVar variation 991305 (VCV000991305.5), dbSNP rs773989386, ClinGen allele CA1678986.

ClinVar aggregate classification (germline): Uncertain significance. Review status: criteria provided, single submitter (1 of 4 stars). 2 submissions from 2 submitters: Uncertain significance (1). 1 of the submissions does not count toward it. Last evaluated 2025-09-15.

Conditions:
Retinitis pigmentosa 28 (RP28). Identifiers: Orphanet 791, MedGen C1419614, MONDO:0011630, OMIM 606068.

Allele frequency attached by ClinVar (database versions not stated): gnomAD 0.00003; gnomAD exomes 0.00004 and 0.00021; TOPMed 0.00004; ExAC 0.00013.

Submissions (2):

Labcorp Genetics (formerly Invitae), Labcorp
Classification: Uncertain significance. Last evaluated: 2025-09-15. Review status: criteria provided, single submitter. Criteria: Invitae Variant Classification Sherloc (09022015). Collection method: clinical testing. Allele origin: germline.
Comment: This sequence change replaces asparagine, which is neutral and polar, with aspartic acid, which is acidic and polar, at codon 656 of the FAM161A protein (p.Asn656Asp). The frequency data for this variant in the population databases is considered unreliable, as metrics indicate poor data quality at this position in the gnomAD database. This variant has not been reported in the literature in individuals affected with FAM161A-related conditions. ClinVar contains an entry for this variant (Variation ID: 991305). An algorithm developed to predict the effect of missense changes on protein structure and function (PolyPhen-2) suggests that this variant is likely to be tolerated. In summary, the available evidence is currently insufficient to determine the role of this variant in disease. Therefore, it has been classified as a Variant of Uncertain Significance.

Natera, Inc.
Classification: Uncertain significance for Retinitis pigmentosa type 28. Last evaluated: 2020-07-27. Review status: no assertion criteria provided. Collection method: clinical testing. Allele origin: germline. Not counted in ClinVar's aggregate classification.